The following is an entry in ClinVar:

ClinVar aggregate classification (germline): Uncertain significance (1 of 4 stars; one submission).

Conditions:
Hereditary cancer-predisposing syndrome. Also called: Neoplastic Syndromes, Hereditary; Tumor predisposition; Hereditary neoplastic syndrome; Hereditary Cancer Syndrome. Identifiers: Orphanet 140162, MedGen C0027672, MeSH D009386, MONDO:0015356.

Submission:

Ambry Genetics
Classification: Uncertain significance for Hereditary cancer-predisposing syndrome. Last evaluated: 2026-09-01. Review status: criteria provided, single submitter. Criteria: Ambry Variant Classification Scheme 2023. Collection method: clinical testing. Allele origin: germline.
Comment: The p.Q1230E variant (also known as c.3688C>G), located in coding exon 25 of the SMARCA4 gene, results from a C to G substitution at nucleotide position 3688. The glutamine at codon 1230 is replaced by glutamic acid, an amino acid with highly similar properties. This amino acid position is highly conserved in available vertebrate species. In addition, the in silico prediction for this alteration is inconclusive. Based on the available evidence, the clinical significance of this variant remains unclear.

NM_003072.5(SMARCA4):c.3688C>G (p.Gln1230Glu)

Gene: SMARCA4 (SWI/SNF related BAF chromatin remodeling complex subunit ATPase 4; plus strand). Cytogenetic location: 19p13.2.
Variant type: single nucleotide variant.
Coding change: c.3688C>G on transcript NM_003072.5 (MANE Select); coding-DNA position 3688, C replaced by G.
Protein change: p.Gln1230Glu; replaces glutamine 1230 with glutamic acid.
Molecular consequence: missense variant. On other transcripts: non-coding transcript variant (1).
Genome position (GRCh38, 1-based): chr19:11,033,431, C>G. VCF-style: chr19-11033431-C-G. GRCh37 (hg19) VCF-style: chr19-11144107-C-G.
Other names: c.3688C>G, p.Gln1230Glu (NM_001128844.3, NM_001128845.2, NM_001128846.2 and 6 more transcripts); short protein forms Q1230E.
Identifiers: ClinVar variation 5029885 (VCV005029885.1).